The following is an entry in ClinVar:

ClinVar aggregate classification (germline): Uncertain significance. Review status: criteria provided, multiple submitters, no conflicts (2 of 4 stars). 2 submissions from 2 submitters: Uncertain significance (2). Last evaluated 2026-08-03.

Conditions:
CREBBP-related disorder. Also called: CREBBP-related disorders; CREBBP-related condition.

Allele frequency attached by ClinVar (database versions not stated): gnomAD exomes below 0.00001; gnomAD 0.00001; TOPMed 0.00001.

Submissions (2):

PreventionGenetics, part of Exact Sciences
Classification: Uncertain significance for CREBBP-related condition. Last evaluated: 2026-08-03. Review status: criteria provided, single submitter. Criteria: ACMG Guidelines, 2015. Collection method: clinical testing. Allele origin: germline.
Comment: The CREBBP c.3136A>G variant is predicted to result in the amino acid substitution p.Met1046Val. To our knowledge, this variant has not been reported in the literature or in a large population database (gnomAD), indicating this variant is rare. At this time, the clinical significance of this variant is uncertain due to the absence of conclusive functional and genetic evidence.

CeGaT Center for Human Genetics Tuebingen
Classification: Uncertain significance. Last evaluated: 2022-12-01. Review status: criteria provided, single submitter. Criteria: CeGaT Center For Human Genetics Tuebingen Variant Classification Criteria Version 2. Collection method: clinical testing. Allele origin: germline. Affected: yes. Observed: 1 variant allele.
Comment: CREBBP: PP2, BP4

NM_004380.3(CREBBP):c.3136A>G (p.Met1046Val)

Gene: CREBBP (CREB binding lysine acetyltransferase; minus strand). Cytogenetic location: 16p13.3.
Variant type: single nucleotide variant.
Coding change: c.3136A>G on transcript NM_004380.3 (MANE Select); coding-DNA position 3136, A replaced by G.
Protein change: p.Met1046Val; replaces methionine 1046 with valine.
Molecular consequence: missense variant.
Genome position (GRCh38, 1-based): chr16:3,767,834, T>C on the plus strand (A>G on the coding strand, the complement: CREBBP is on the minus strand). VCF-style: chr16-3767834-T-C. GRCh37 (hg19) VCF-style: chr16-3817835-T-C.
Other names: c.3022A>G, p.Met1008Val (NM_001079846.1); c.3136A>G (NM_004380.2); short protein forms M1008V, M1046V.
Identifiers: ClinVar variation 2646137 (VCV002646137.25), dbSNP rs896266657, ClinGen allele CA277006908.